The following is an entry in ClinVar:

ClinVar aggregate classification (germline): Pathogenic/Likely pathogenic. Review status: criteria provided, multiple submitters, no conflicts (2 of 4 stars). 3 submissions from 3 submitters: Pathogenic (1); Likely pathogenic (2). Last evaluated 2025-03-23.

Conditions:
WDR19-related disorder. Also called: WDR19-related disorders; WDR19-related condition. Identifiers: MedGen CN380161.
Senior-Loken syndrome 8 (SLSN8). Identifiers: Orphanet 3156, MedGen C4225376, MONDO:0014579, OMIM 616307.
Asphyxiating thoracic dystrophy 5 (SRTD5). Also called: SHORT-RIB THORACIC DYSPLASIA 5 WITH OR WITHOUT POLYDACTYLY; SHORT-RIB THORACIC DYSPLASIA 5 WITHOUT POLYDACTYLY. Identifiers: Orphanet 474, MedGen C3280598, MONDO:0013717, OMIM 614376.
Nephronophthisis 13 (NPHP13). Identifiers: Orphanet 655, MedGen C3280612, MONDO:0013718, OMIM 614377.

Allele frequency attached by ClinVar (database versions not stated): TOPMed below 0.00001.
gnomAD v4.1: 3 of 1,613,244 alleles (0.00019%); highest among the groups gnomAD compares: Non-Finnish European, 0.00025%; no homozygotes.

Submissions (3):

Variantyx, Inc.
Classification: Likely pathogenic for Nephronophthisis 13. Last evaluated: 2025-03-23. Review status: criteria provided, single submitter. Criteria: Variantyx Assertion Criteria 2022. Collection method: clinical testing. Allele origin: maternal.
Comment: This is a nonsense variant in the WDR19 gene (OMIM: 608151). Pathogenic variants in this gene have been associated with autosomal recessive nephronophthisis 13. This variant introduces a premature termination codon in exon 6 out of 37. It is expected to result in loss of function, which is a known disease mechanism for WDR19 in this disorder (PMID: 22019273, 23559409) (PVS1). This variant has a 0.0003% maximum allele frequency in non-founder control populations (PM2_Supporting). Based on the current evidence, this variant is classified as likely pathogenic for autosomal recessive nephronophthisis 13.

PreventionGenetics, part of Exact Sciences
Classification: Likely pathogenic for WDR19-related condition. Last evaluated: 2025-01-02. Review status: criteria provided, single submitter. Criteria: ACMG Guidelines, 2015. Collection method: clinical testing. Allele origin: germline.
Comment: The WDR19 c.441G>A variant is predicted to result in premature protein termination (p.Trp147*). To our knowledge, this variant has not been reported in the literature or in a large population database (gnomAD), indicating this variant is rare. Nonsense variants in WDR19 are expected to be pathogenic. This variant is interpreted as likely pathogenic.

Labcorp Genetics (formerly Invitae), Labcorp
Classification: Pathogenic for Senior-Loken syndrome 8; Asphyxiating thoracic dystrophy 5. Last evaluated: 2021-07-14. Review status: criteria provided, single submitter. Criteria: Invitae Variant Classification Sherloc (09022015). Collection method: clinical testing. Allele origin: germline.
Comment: This sequence change creates a premature translational stop signal (p.Trp147*) in the WDR19 gene. It is expected to result in an absent or disrupted protein product. Loss-of-function variants in WDR19 are known to be pathogenic (PMID: 22019273, 23559409, 23683095, 26275793, 27241786, 29068549). This variant is not present in population databases (ExAC no frequency). This variant has not been reported in the literature in individuals affected with WDR19-related conditions. For these reasons, this variant has been classified as Pathogenic.

Literature cited by the submitters: PubMed 22019273 (cited by Labcorp Genetics (formerly Invitae), Labcorp); PubMed 23559409 (cited by Labcorp Genetics (formerly Invitae), Labcorp); PubMed 23683095 (cited by Labcorp Genetics (formerly Invitae), Labcorp); PubMed 26275793 (cited by Labcorp Genetics (formerly Invitae), Labcorp); PubMed 27241786 (cited by Labcorp Genetics (formerly Invitae), Labcorp); PubMed 29068549 (cited by Labcorp Genetics (formerly Invitae), Labcorp).

NM_025132.4(WDR19):c.441G>A (p.Trp147Ter)

Gene: WDR19 (WD repeat domain 19; plus strand). Cytogenetic location: 4p14.
Variant type: single nucleotide variant.
Coding change: c.441G>A on transcript NM_025132.4 (MANE Select); coding-DNA position 441, G replaced by A.
Protein change: p.Trp147Ter; replaces tryptophan 147 with a stop codon.
Molecular consequence: nonsense. On other transcripts: 5 prime UTR variant (1).
Genome position (GRCh38, 1-based): chr4:39,199,512, G>A. VCF-style: chr4-39199512-G-A. GRCh37 (hg19) VCF-style: chr4-39201132-G-A.
Other names: c.-40G>A (NM_001317924.2); c.441G>A (NM_025132.3); short protein forms W147*.
Identifiers: ClinVar variation 1451170 (VCV001451170.10), dbSNP rs1273811425, ClinGen allele CA356632344.